The following is an entry in ClinVar:

NM_020765.3(UBR4):c.3569C>T (p.Pro1190Leu)

Gene: UBR4 (ubiquitin protein ligase E3 component n-recognin 4; minus strand). Cytogenetic location: 1p36.13.
Variant type: single nucleotide variant.
Coding change: c.3569C>T on transcript NM_020765.3 (MANE Select); coding-DNA position 3569, C replaced by T.
Protein change: p.Pro1190Leu; replaces proline 1190 with leucine.
Molecular consequence: missense variant.
Genome position (GRCh38, 1-based): chr1:19,170,836, G>A on the plus strand (C>T on the coding strand, the complement: UBR4 is on the minus strand). VCF-style: chr1-19170836-G-A. GRCh37 (hg19) VCF-style: chr1-19497330-G-A.
Other names: short protein forms P1190L.
Identifiers: ClinVar variation 3053654 (VCV003053654.2), dbSNP rs144748401, ClinGen allele CA651090.

ClinVar aggregate classification (germline): Benign (0 of 4 stars; one submission).

Conditions:
UBR4-related disorder. Also called: UBR4-related condition.

Allele frequency attached by ClinVar (database versions not stated): gnomAD exomes 0.00022; ExAC 0.00068; gnomAD 0.00198; TOPMed 0.00216; ESP Exome Variant Server 0.00223; 1000 Genomes Project 30x 0.00297; 1000 Genomes Project 0.00300.
gnomAD v4.1: 652 of 1,614,162 alleles (0.04%); highest among the groups gnomAD compares: African/African-American, 0.72%; 3 homozygotes.

Submission:

PreventionGenetics, part of Exact Sciences
Classification: Benign for UBR4-related condition. Last evaluated: 2019-09-17. Review status: no assertion criteria provided. Collection method: clinical testing. Allele origin: germline.
Comment: This variant is classified as benign based on ACMG/AMP sequence variant interpretation guidelines (Richards et al. 2015 PMID: 25741868, with internal and published modifications).